The following is an entry in ClinVar:

NM_032888.4(COL27A1):c.5049A>T (p.Lys1683Asn)

Gene: COL27A1 (collagen type XXVII alpha 1 chain; plus strand). Cytogenetic location: 9q32.
Variant type: single nucleotide variant.
Coding change: c.5049A>T on transcript NM_032888.4 (MANE Select); coding-DNA position 5049, A replaced by T.
Protein change: p.Lys1683Asn; replaces lysine 1683 with asparagine.
Molecular consequence: missense variant.
Genome position (GRCh38, 1-based): chr9:114,306,630, A>T. VCF-style: chr9-114306630-A-T. GRCh37 (hg19) VCF-style: chr9-117068910-A-T.
Other names: short protein forms K1683N.
Identifiers: ClinVar variation 4746486 (VCV004746486.1).

ClinVar aggregate classification (germline): Uncertain significance (1 of 4 stars; one submission).

Submission:

Labcorp Genetics (formerly Invitae), Labcorp
Classification: Uncertain significance. Last evaluated: 2025-08-04. Review status: criteria provided, single submitter. Criteria: Invitae Variant Classification Sherloc (09022015). Collection method: clinical testing. Allele origin: germline.
Comment: This sequence change replaces lysine, which is basic and polar, with asparagine, which is neutral and polar, at codon 1683 of the COL27A1 protein (p.Lys1683Asn). This variant is not present in population databases (gnomAD no frequency). This variant has not been reported in the literature in individuals affected with COL27A1-related conditions. Invitae Evidence Modeling of protein sequence and biophysical properties (such as structural, functional, and spatial information, amino acid conservation, physicochemical variation, residue mobility, and thermodynamic stability) indicates that this missense variant is not expected to disrupt COL27A1 protein function with a negative predictive value of 80%. In summary, the available evidence is currently insufficient to determine the role of this variant in disease. Therefore, it has been classified as a Variant of Uncertain Significance.